The following is an entry in ClinVar:

NM_004795.4(KL):c.740_745dup (p.Tyr248_Ala249insGlyTyr)

Gene: KL (klotho; plus strand). Cytogenetic location: 13q13.1.
Variant type: Duplication.
Coding change: c.740_745dup on transcript NM_004795.4 (MANE Select); coding-DNA positions 740 to 745, 6 bases duplicated (GCTACG; older notation c.740_745dupGCTACG).
Protein change: p.Tyr248_Ala249insGlyTyr.
Molecular consequence: inframe insertion.
Genome position (GRCh38, 1-based): chr13:33,017,180-33,017,185, GCTACG duplicated; duplicating any 6 consecutive bases within chr13:33,017,177-33,017,185 gives the same sequence; the c. name uses the placement nearest the transcript's 3' end. VCF-style (leftmost placement, unchanged base first): chr13-33017176-C-CACGGCT. GRCh37 (hg19) VCF-style: chr13-33591314-C-CACGGCT.
Identifiers: ClinVar variation 3615554 (VCV003615554.2).

ClinVar aggregate classification (germline): Uncertain significance (1 of 4 stars; one submission).

Submission:

Labcorp Genetics (formerly Invitae), Labcorp
Classification: Uncertain significance. Last evaluated: 2024-07-08. Review status: criteria provided, single submitter. Criteria: Invitae Variant Classification Sherloc (09022015). Collection method: clinical testing. Allele origin: germline.
Comment: This variant, c.740_745dup, results in the insertion of 2 amino acid(s) of the KL protein (p.Gly247_Tyr248dup), but otherwise preserves the integrity of the reading frame. This variant is not present in population databases (gnomAD no frequency). This variant has not been reported in the literature in individuals affected with KL-related conditions. In summary, the available evidence is currently insufficient to determine the role of this variant in disease. Therefore, it has been classified as a Variant of Uncertain Significance.